The following is an entry in ClinVar:

NM_144498.4(OSBPL2):c.375G>T (p.Gln125His)

Gene: OSBPL2 (oxysterol binding protein like 2; plus strand). Cytogenetic location: 20q13.33.
Variant type: single nucleotide variant.
Coding change: c.375G>T on transcript NM_144498.4 (MANE Select); coding-DNA position 375, G replaced by T.
Protein change: p.Gln125His; replaces glutamine 125 with histidine.
Molecular consequence: missense variant.
Genome position (GRCh38, 1-based): chr20:62,272,241, G>T. VCF-style: chr20-62272241-G-T. GRCh37 (hg19) VCF-style: chr20-60847297-G-T.
Other names: c.99G>T, p.Gln33His (NM_001278649.3, NM_001363878.2); c.339G>T, p.Gln113His (NM_014835.5); short protein forms Q125H, Q113H, Q33H.
Identifiers: ClinVar variation 1504899 (VCV001504899.8), dbSNP rs2145951661, ClinGen allele CA409539928.

ClinVar aggregate classification (germline): Uncertain significance (1 of 4 stars; one submission).

Submission:

Labcorp Genetics (formerly Invitae), Labcorp
Classification: Uncertain significance. Last evaluated: 2022-08-10. Review status: criteria provided, single submitter. Criteria: Invitae Variant Classification Sherloc (09022015). Collection method: clinical testing. Allele origin: germline.
Comment: ClinVar contains an entry for this variant (Variation ID: 1504899). In summary, the available evidence is currently insufficient to determine the role of this variant in disease. Therefore, it has been classified as a Variant of Uncertain Significance. Algorithms developed to predict the effect of missense changes on protein structure and function output the following: SIFT: "Tolerated"; PolyPhen-2: "Benign"; Align-GVGD: "Class C0". The histidine amino acid residue is found in multiple mammalian species, which suggests that this missense change does not adversely affect protein function. This variant has not been reported in the literature in individuals affected with OSBPL2-related conditions. This variant is not present in population databases (gnomAD no frequency). This sequence change replaces glutamine, which is neutral and polar, with histidine, which is basic and polar, at codon 125 of the OSBPL2 protein (p.Gln125His).